The following is an entry in ClinVar:

NM_001356.5(DDX3X):c.1616-3T>C

Gene: DDX3X (DEAD-box helicase 3 X-linked; plus strand). Cytogenetic location: Xp11.4.
Variant type: single nucleotide variant.
Coding change: c.1616-3T>C on transcript NM_001356.5 (MANE Select); 3 bases into the intron before coding-DNA position 1616, T replaced by C.
Molecular consequence: intron variant.
Genome position (GRCh38, 1-based): chrX:41,346,856, T>C. VCF-style: chrX-41346856-T-C. GRCh37 (hg19) VCF-style: chrX-41206109-T-C.
Other names: c.1616-3T>C (NM_001193416.3, NM_001356.3, NM_001193416.2); c.1568-3T>C (NM_001193417.3); c.1058-3T>C (NM_001363819.1).
Identifiers: ClinVar variation 1591201 (VCV001591201.11), dbSNP rs376431626, ClinGen allele CA10389682.

ClinVar aggregate classification (germline): Benign/Likely benign. Review status: criteria provided, multiple submitters, no conflicts (2 of 4 stars). 4 submissions from 4 submitters: Benign (2); Likely benign (1). 1 of the submissions does not count toward it. Last evaluated 2026-05-20.

Conditions:
DDX3X-related disorder. Also called: DDX3X-related condition.
Inborn genetic diseases. Identifiers: MedGen C0950123, MeSH D030342.

Allele frequency attached by ClinVar (database versions not stated): ExAC 0.00008; TOPMed 0.00034; ESP Exome Variant Server 0.00040; gnomAD exomes 0.00006 and 0.00003; gnomAD 0.00030 and 0.00033.
gnomAD v4.1: 68 of 1,203,633 alleles (0.0056%); highest among the groups gnomAD compares: African/African-American, 0.11%; no homozygotes.

Submissions (4):

Women's Health and Genetics/Laboratory Corporation of America, LabCorp
Classification: Benign. Last evaluated: 2026-05-20. Review status: criteria provided, single submitter. Criteria: LabCorp Variant Classification Summary - May 2015. Collection method: clinical testing. Allele origin: germline.
Comment: Variant summary: DDX3X c.1616-3T>C alters a conserved nucleotide located close to a canonical splice site and therefore could affect mRNA splicing, leading to a significantly altered protein sequence. Consensus agreement among computation tools predict no significant impact on normal splicing. However, these predictions have yet to be confirmed by functional studies. The variant allele was found at a frequency of 5.6e-05 in 1203633 control chromosomes, predominantly at a frequency of 0.0011 within the African or African-American subpopulation in the gnomAD database, including 18 hemizygotes (gnomAD v4). The observed variant frequency within African or African-American control individuals in the gnomAD database exceeds the estimated maximal expected allele frequency for disease-causing variants in DDX3X. To our knowledge, no occurrence of c.1616-3T>C in individuals affected with DDX3X-related conditions and no experimental evidence demonstrating its impact on protein function have been reported. ClinVar contains an entry for this variant (Variation ID: 1591201). Based on the evidence outlined above, the variant was classified as benign.

Labcorp Genetics (formerly Invitae), Labcorp
Classification: Benign. Last evaluated: 2025-11-09. Review status: criteria provided, single submitter. Criteria: Invitae Variant Classification Sherloc (09022015). Collection method: clinical testing. Allele origin: germline.

Ambry Genetics
Classification: Likely benign for Inborn genetic diseases. Last evaluated: 2021-09-21. Review status: criteria provided, single submitter. Criteria: Ambry Variant Classification Scheme 2023. Collection method: clinical testing. Allele origin: germline.

PreventionGenetics, part of Exact Sciences
Classification: Likely benign for DDX3X-related condition. Last evaluated: 2024-05-23. Review status: no assertion criteria provided. Collection method: clinical testing. Allele origin: germline. Not counted in ClinVar's aggregate classification.
Comment: This variant is classified as likely benign based on ACMG/AMP sequence variant interpretation guidelines (Richards et al. 2015 PMID: 25741868, with internal and published modifications).